The following is an entry in ClinVar:

NM_000268.4(NF2):c.1058G>A (p.Arg353Lys)

Gene: NF2 (NF2, moesin-ezrin-radixin like (MERLIN) tumor suppressor; plus strand). Cytogenetic location: 22q12.2.
Variant type: single nucleotide variant.
Coding change: c.1058G>A on transcript NM_000268.4 (MANE Select); coding-DNA position 1058, G replaced by A.
Protein change: p.Arg353Lys; replaces arginine 353 with lysine.
Molecular consequence: missense variant. On other transcripts: non-coding transcript variant (1), intron variant (1).
Genome position (GRCh38, 1-based): chr22:29,671,884, G>A. VCF-style: chr22-29671884-G-A. GRCh37 (hg19) VCF-style: chr22-30067873-G-A.
Other names: c.1058G>A, p.Arg353Lys (NM_016418.5, NM_181825.3, NM_181832.3); c.932G>A, p.Arg311Lys (NM_181828.3); c.935G>A, p.Arg312Lys (NM_181829.3); c.809G>A, p.Arg270Lys (NM_181830.3, NM_181831.3); c.448-22868G>A (NM_181833.3); short protein forms R311K, R270K, R312K, R353K.
Identifiers: ClinVar variation 1433692 (VCV001433692.11), dbSNP rs2147072682, ClinGen allele CA411146941.

ClinVar aggregate classification (germline): Uncertain significance. Review status: criteria provided, multiple submitters, no conflicts (2 of 4 stars). 3 submissions from 3 submitters: Uncertain significance (3). Last evaluated 2025-11-02.

Conditions:
Hereditary cancer-predisposing syndrome. Also called: Hereditary Cancer Syndrome; Neoplastic Syndromes, Hereditary; Hereditary neoplastic syndrome; Tumor predisposition. Identifiers: Orphanet 140162, MedGen C0027672, MeSH D009386, MONDO:0015356.
Neurofibromatosis, type 2 (SWNV). Also called: BILATERAL ACOUSTIC NEUROFIBROMATOSIS; SCHWANNOMATOSIS, VESTIBULAR; NF2-Related Schwannomatosis. Identifiers: Orphanet 637, MedGen C0027832, MONDO:0007039, OMIM 101000. Disease mechanism: loss of function.

Allele frequency attached by ClinVar (database versions not stated): gnomAD exomes 0.00001.
gnomAD v4.1: 10 of 1,614,162 alleles (0.00062%); highest among the groups gnomAD compares: Non-Finnish European, 0.00076%; no homozygotes.

Submissions (3):

Labcorp Genetics (formerly Invitae), Labcorp
Classification: Uncertain significance for Neurofibromatosis, type 2. Last evaluated: 2025-11-02. Review status: criteria provided, single submitter. Criteria: Invitae Variant Classification Sherloc (09022015). Collection method: clinical testing. Allele origin: germline.
Comment: This sequence change replaces arginine, which is basic and polar, with lysine, which is basic and polar, at codon 353 of the NF2 protein (p.Arg353Lys). This variant is not present in population databases (gnomAD no frequency). This variant has not been reported in the literature in individuals affected with NF2-related conditions. ClinVar contains an entry for this variant (Variation ID: 1433692). Invitae Evidence Modeling of protein sequence and biophysical properties (such as structural, functional, and spatial information, amino acid conservation, physicochemical variation, residue mobility, and thermodynamic stability) indicates that this missense variant is not expected to disrupt NF2 protein function with a negative predictive value of 80%. In summary, the available evidence is currently insufficient to determine the role of this variant in disease. Therefore, it has been classified as a Variant of Uncertain Significance.

Ambry Genetics
Classification: Uncertain significance for Hereditary cancer-predisposing syndrome. Last evaluated: 2025-07-09. Review status: criteria provided, single submitter. Criteria: Ambry Variant Classification Scheme 2023. Collection method: clinical testing. Allele origin: germline.
Comment: The p.R353K variant (also known as c.1058G>A), located in coding exon 11 of the NF2 gene, results from a G to A substitution at nucleotide position 1058. The arginine at codon 353 is replaced by lysine, an amino acid with highly similar properties. This amino acid position is well conserved in available vertebrate species. In addition, this alteration is predicted to be tolerated by in silico analysis. Since supporting evidence is limited at this time, the clinical significance of this alteration remains unclear.

All of Us Research Program, National Institutes of Health
Classification: Uncertain significance for Neurofibromatosis, type 2. Last evaluated: 2024-02-05. Review status: criteria provided, single submitter. Criteria: ACMG Guidelines, 2015. Collection method: clinical testing. Allele origin: germline. Inheritance: Autosomal dominant inheritance. Observed: 1 variant allele, 1 heterozygote.
Comment: This missense variant replaces arginine with lysine at codon 353 of the NF2 protein. Computational prediction suggests that this variant may not impact protein structure and function (internally defined REVEL score threshold <= 0.5, PMID: 27666373). To our knowledge, functional studies have not been reported for this variant. This variant has not been reported in individuals affected with NF2-related disorders in the literature. This variant has not been identified in the general population by the Genome Aggregation Database (gnomAD). The available evidence is insufficient to determine the role of this variant in disease conclusively. Therefore, this variant is classified as a Variant of Uncertain Significance.

This study involves interpretation of variants in research participants for the purpose of population health screening. Participant phenotype was not available at the time of variant classification. Additional details can be found in publication PMID: 35346344, PMCID: PMC8962531